The following is an entry in ClinVar:

NM_001372.4(DNAH9):c.2734T>A (p.Cys912Ser)

Genes: DNAH9 (dynein axonemal heavy chain 9; plus strand), LOC126862505 (BRD4-independent group 4 enhancer GRCh37_chr17:11572478-11573677; plus strand). Cytogenetic location: 17p12.
Variant type: single nucleotide variant.
Coding change: c.2734T>A on transcript NM_001372.4 (MANE Select); coding-DNA position 2734, T replaced by A.
Protein change: p.Cys912Ser; replaces cysteine 912 with serine.
Molecular consequence: missense variant.
Genome position (GRCh38, 1-based): chr17:11,669,066, T>A. VCF-style: chr17-11669066-T-A. GRCh37 (hg19) VCF-style: chr17-11572383-T-A.
Other names: short protein forms C912S.
Identifiers: ClinVar variation 1517730 (VCV001517730.8), dbSNP rs746674946, ClinGen allele CA8395272.

ClinVar aggregate classification (germline): Uncertain significance (1 of 4 stars; one submission).

Allele frequency attached by ClinVar (database versions not stated): gnomAD exomes below 0.00001; ExAC 0.00001.
gnomAD v4.1: 4 of 1,608,080 alleles (0.00025%); highest among the groups gnomAD compares: South Asian, 0.0044%; no homozygotes.

Submission:

Labcorp Genetics (formerly Invitae), Labcorp
Classification: Uncertain significance. Last evaluated: 2024-02-17. Review status: criteria provided, single submitter. Criteria: Invitae Variant Classification Sherloc (09022015). Collection method: clinical testing. Allele origin: germline.
Comment: This sequence change replaces cysteine, which is neutral and slightly polar, with serine, which is neutral and polar, at codon 912 of the DNAH9 protein (p.Cys912Ser). This variant is present in population databases (rs746674946, gnomAD 0.007%). This variant has not been reported in the literature in individuals affected with DNAH9-related conditions. ClinVar contains an entry for this variant (Variation ID: 1517730). Advanced modeling of protein sequence and biophysical properties (such as structural, functional, and spatial information, amino acid conservation, physicochemical variation, residue mobility, and thermodynamic stability) performed at Invitae indicates that this missense variant is not expected to disrupt DNAH9 protein function with a negative predictive value of 80%. In summary, the available evidence is currently insufficient to determine the role of this variant in disease. Therefore, it has been classified as a Variant of Uncertain Significance.